The following is an entry in ClinVar:

ClinVar aggregate classification (germline): Uncertain significance (1 of 4 stars; one submission).

Conditions:
Dyskeratosis congenita. Identifiers: Orphanet 1775, MedGen C0265965, MONDO:0015780.

Allele frequency attached by ClinVar (database versions not stated): TOPMed 0.00001.

Submission:

Labcorp Genetics (formerly Invitae), Labcorp
Classification: Uncertain significance for Dyskeratosis congenita. Last evaluated: 2021-08-30. Review status: criteria provided, single submitter. Criteria: Invitae Variant Classification Sherloc (09022015). Collection method: clinical testing. Allele origin: germline.
Comment: This sequence change replaces threonine with serine at codon 937 of the CTC1 protein (p.Thr937Ser). The threonine residue is moderately conserved and there is a small physicochemical difference between threonine and serine. This variant is not present in population databases (ExAC no frequency). This variant has not been reported in the literature in individuals affected with CTC1-related conditions. Algorithms developed to predict the effect of missense changes on protein structure and function (SIFT, PolyPhen-2, Align-GVGD) all suggest that this variant is likely to be tolerated. In summary, the available evidence is currently insufficient to determine the role of this variant in disease. Therefore, it has been classified as a Variant of Uncertain Significance.

NM_025099.6(CTC1):c.2809A>T (p.Thr937Ser)

Gene: CTC1 (CST telomere replication complex component 1; minus strand). Cytogenetic location: 17p13.1.
Variant type: single nucleotide variant.
Coding change: c.2809A>T on transcript NM_025099.6 (MANE Select); coding-DNA position 2809, A replaced by T.
Protein change: p.Thr937Ser; replaces threonine 937 with serine.
Molecular consequence: missense variant. On other transcripts: non-coding transcript variant (1).
Genome position (GRCh38, 1-based): chr17:8,230,418, T>A on the plus strand (A>T on the coding strand, the complement: CTC1 is on the minus strand). VCF-style: chr17-8230418-T-A. GRCh37 (hg19) VCF-style: chr17-8133736-T-A.
Other names: short protein forms T937S.
Identifiers: ClinVar variation 861657 (VCV000861657.7), dbSNP rs1370736551, ClinGen allele CA397974357.
Genomic context (GRCh38, chr17:8,230,418, plus strand): 5'-GAGGCAAGTGTGGGTCTTCTATATATACATCCAGGTGAGGGGGGAATTCACATTCAGCAG[T>A]CTCAAGAGCGACTGTTAGCTTCACACACCTTCTCATGGCCCCCGTGTTCCCTATAGAAGG-3'
Protein context (NP_079375.3, residues 927-947): RCVKLTVALE[Thr937Ser]AECEFPPHLD